The following is an entry in ClinVar:

NM_018297.4(NGLY1):c.1687A>G (p.Lys563Glu)

Gene: NGLY1 (N-glycanase 1; minus strand). Cytogenetic location: 3p24.2.
Variant type: single nucleotide variant.
Coding change: c.1687A>G on transcript NM_018297.4 (MANE Select); coding-DNA position 1687, A replaced by G.
Protein change: p.Lys563Glu; replaces lysine 563 with glutamic acid.
Molecular consequence: missense variant. On other transcripts: intron variant (1).
Genome position (GRCh38, 1-based): chr3:25,720,116, T>C on the plus strand (A>G on the coding strand, the complement: NGLY1 is on the minus strand). VCF-style: chr3-25720116-T-C. GRCh37 (hg19) VCF-style: chr3-25761607-T-C.
Other names: c.1612-481A>G (NM_001145295.2); c.1633A>G, p.Lys545Glu (NM_001145293.2); c.1561A>G, p.Lys521Glu (NM_001145294.2); short protein forms K545E, K521E, K563E.
Identifiers: ClinVar variation 843309 (VCV000843309.2), dbSNP rs1704908411, ClinGen allele CA351894201.

ClinVar aggregate classification (germline): Uncertain significance (1 of 4 stars; one submission).

Conditions:
Congenital disorder of deglycosylation (CDDG). Identifiers: MedGen C3808991, MONDO:0031376.

Submission:

Labcorp Genetics (formerly Invitae), Labcorp
Classification: Uncertain significance for Congenital disorder of deglycosylation. Last evaluated: 2019-03-13. Review status: criteria provided, single submitter. Criteria: Invitae Variant Classification Sherloc (09022015). Collection method: clinical testing. Allele origin: germline.
Comment: This sequence change replaces lysine with glutamic acid at codon 563 of the NGLY1 protein (p.Lys563Glu). The lysine residue is moderately conserved and there is a small physicochemical difference between lysine and glutamic acid. This variant is not present in population databases (ExAC no frequency). This variant has not been reported in the literature in individuals with NGLY1-related conditions. Algorithms developed to predict the effect of missense changes on protein structure and function (SIFT, PolyPhen-2, Align-GVGD) all suggest that this variant is likely to be tolerated, but these predictions have not been confirmed by published functional studies and their clinical significance is uncertain. In summary, the available evidence is currently insufficient to determine the role of this variant in disease. Therefore, it has been classified as a Variant of Uncertain Significance.